The following is an entry in ClinVar:

NM_032043.3(BRIP1):c.1340+7A>T

Gene: BRIP1 (BRCA1 interacting DNA helicase 1; minus strand). Cytogenetic location: 17q23.2.
Variant type: single nucleotide variant.
Coding change: c.1340+7A>T on transcript NM_032043.3 (MANE Select); 7 bases into the intron after coding-DNA position 1340, A replaced by T.
Molecular consequence: intron variant.
Genome position (GRCh38, 1-based): chr17:61,799,093, T>A on the plus strand (A>T on the coding strand, the complement: BRIP1 is on the minus strand). VCF-style: chr17-61799093-T-A. GRCh37 (hg19) VCF-style: chr17-59876454-T-A.
Identifiers: ClinVar variation 414675 (VCV000414675.12), dbSNP rs755399646, ClinGen allele CA8690762.
Genomic context (GRCh38, chr17:61,799,093, plus strand): 5'-CTGGCATAATCAAACATATTTTTCATATAAAGGCAGCACAAATACACTAATAGACAAATC[T>A]TCTTACTTAATGAGGCTACAGCACACAGCTCGTAGGGGTTCATGATCTTTCTTCCTTATA-3'

ClinVar aggregate classification (germline): Likely benign. Review status: criteria provided, multiple submitters, no conflicts (2 of 4 stars). 2 submissions from 2 submitters: Likely benign (2). Last evaluated 2026-01-07.

Conditions:
Fanconi anemia complementation group J. Also called: BRIP1-Related Fanconi Anemia. Identifiers: Orphanet 84, MedGen C1836860, MONDO:0012187, OMIM 609054.
Familial cancer of breast. Also called: Hereditary breast cancer; BREAST CANCER, FAMILIAL; hereditary breast carcinoma. Identifiers: Orphanet 227535, MedGen C0346153, MONDO:0016419, OMIM 114480. Disease mechanism: loss of function.

Allele frequency attached by ClinVar (database versions not stated): gnomAD exomes 0.00001 and 0.00002; ExAC 0.00002; TOPMed 0.00002.
gnomAD v4.1: 7 of 1,608,692 alleles (0.00044%); highest among the groups gnomAD compares: Admixed American, 0.01%; no homozygotes.

Submissions (2):

Labcorp Genetics (formerly Invitae), Labcorp
Classification: Likely benign for Familial cancer of breast; Fanconi anemia complementation group J. Last evaluated: 2026-01-07. Review status: criteria provided, single submitter. Criteria: Invitae Variant Classification Sherloc (09022015). Collection method: clinical testing. Allele origin: germline.

Myriad Genetics, Inc.
Classification: Likely benign for Familial cancer of breast. Last evaluated: 2024-08-27. Review status: criteria provided, single submitter. Criteria: Myriad Autosomal Dominant, Autosomal Recessive and X-Linked Classification Criteria (2023). Collection method: clinical testing. Allele origin: unknown.
Comment: This variant is considered likely benign. This variant is intronic and is not expected to impact mRNA splicing.